The following is an entry in ClinVar:

ClinVar aggregate classification (germline): Likely pathogenic (1 of 4 stars; one submission).

Conditions:
Autosomal recessive nonsyndromic hearing loss 36. Also called: DEAFNESS, AUTOSOMAL RECESSIVE 36, WITH VESTIBULAR INVOLVEMENT; Deafness, autosomal recessive 36. Identifiers: Orphanet 90636, MedGen C1837007, MONDO:0012170, OMIM 609006.

Allele frequency attached by ClinVar (database versions not stated): TOPMed below 0.00001.

Submission:

King Laboratory, University of Washington
Classification: Likely pathogenic for Autosomal recessive nonsyndromic hearing loss 36. Last evaluated: 2023-02-28. Review status: criteria provided, single submitter. Criteria: Li et al. (Genet Med. 2022). Collection method: research. Allele origin: unknown. Affected: yes.
Comment: This variant is a missense at a completely conserved site in the WH2 domain of the Espin protein and is predicted to be damaging by multiple in-silico tools. As of January 2023, this variant has not been reported to ClinVar and is not found on gnomAD. Based on compound heterozygosity with a loss-of-function variant, consistently predicted functional effect, and goodness of fit of genotype to phenotype, we conclude that this variant is likely pathogenic.

Literature cited by the submitters: PubMed 36633841.

NM_031475.3(ESPN):c.1972G>A (p.Glu658Lys)

Gene: ESPN (espin; plus strand). Cytogenetic location: 1p36.31.
Variant type: single nucleotide variant.
Coding change: c.1972G>A on transcript NM_031475.3 (MANE Select); coding-DNA position 1972, G replaced by A.
Protein change: p.Glu658Lys; replaces glutamic acid 658 with lysine.
Molecular consequence: missense variant.
Genome position (GRCh38, 1-based): chr1:6,451,659, G>A. VCF-style: chr1-6451659-G-A. GRCh37 (hg19) VCF-style: chr1-6511719-G-A.
Other names: c.1882G>A, p.Glu628Lys (NM_001367473.1); c.1909G>A, p.Glu637Lys (NM_001367474.1); short protein forms E637K, E628K, E658K.
Identifiers: ClinVar variation 2445625 (VCV002445625.1), dbSNP rs1643945526, ClinGen allele CA338099072.